The following is an entry in ClinVar:

ClinVar aggregate classification (germline): Pathogenic (0 of 4 stars; one submission).

Submission:

ISCA Site 6
Classification: Pathogenic. Last evaluated: 2011-08-11. Review status: no assertion criteria provided. Collection method: clinical testing. Allele origin: maternal. Affected: yes. Observed: 1 variant allele.
Comment: Copy number variation identified through the course of routine clinical cytogenomic testing in postnatal populations. Clinical assertions have been curated as described in Kaminsky et al. 2011.

Copy number variation identified through the course of routine clinical cytogenomic testing in postnatal populations. Clinical assertions have been curated as described in Kaminsky, et al. 2011 (PubMed 21844811). For additional ClinGen data, please see nstd37.

GRCh38/hg38 3q29(chr3:196035777-197606438)x3

Genes: BDH1 (3-hydroxybutyrate dehydrogenase 1), CEP19 (centrosomal protein 19; minus strand), DLG1 (discs large MAGUK scaffold protein 1; minus strand), DLG1-AS1 (DLG1 antisense RNA 1; plus strand), DYNLT2B (dynein light chain Tctex-type 2B; minus strand) and 104 more. Cytogenetic location: 3q29.
Variant type: copy number gain.
Change: copy number 3 (three copies instead of two) of chr3:196,035,777-197,606,438 (1.57 Mb, GRCh38 coordinates, 1-based), cytogenetic band 3q29.
Identifiers: ClinVar variation 59985 (VCV000059985.3).